The following is an entry in ClinVar:

ClinVar aggregate classification (germline): Pathogenic (1 of 4 stars; one submission).

Conditions:
Intellectual disability, autosomal dominant 9 (NESCAVS). Also called: KIF1A-Related Neurodevelopmental Disorder; NESCAV SYNDROME. Identifiers: Orphanet 662367, MedGen C5393830, MONDO:0013656, OMIM 614255.

Submission:

3billion
Classification: Pathogenic for Intellectual disability, autosomal dominant 9. Last evaluated: 2021-10-02. Review status: criteria provided, single submitter. Criteria: ACMG Guidelines, 2015. Collection method: clinical testing. Allele origin: germline. Affected: yes. Observed: 1 heterozygote.
Comment: Frameshift: predicted to result in a loss or disruption of normal protein function through nonsense-mediated decay (NMD) or protein truncation. Multiple pathogenic variants are reported downstream of the variant (PVS1_VS). The variant was observed as assumed (i.e. paternity and maternity not confirmed) de novoo (3billion dataset, PM6). It is not observed in the gnomAD v2.1.1 dataset (PM2). Therefore, this variant is classified as pathogenic according to the recommendation of ACMG/AMP guideline.

NM_001244008.2(KIF1A):c.3073del (p.Glu1025fs)

Gene: KIF1A (kinesin family member 1A; minus strand). Cytogenetic location: 2q37.3.
Variant type: Deletion.
Coding change: c.3073del on transcript NM_001244008.2 (MANE Select); coding-DNA position 3073, one base deleted (G; older notation c.3073delG).
Protein change: p.Glu1025fs; shifts the reading frame from glutamic acid 1025.
Molecular consequence: frameshift variant.
Genome position (GRCh38, 1-based): chr2:240,746,168, C deleted on the plus strand (G on the coding strand, the reverse complement: KIF1A is on the minus strand). VCF-style (leftmost placement, unchanged base first): chr2-240746167-TC-T. GRCh37 (hg19) VCF-style: chr2-241685584-TC-T.
Other names: c.2797del, p.Glu933fs (NM_001320705.2, NM_001330289.2, NM_001379638.1); c.2872del, p.Glu958fs (NM_001330290.2, NM_001379646.1, NM_001379634.1 and 1 more transcripts); c.3148del, p.Glu1050fs (NM_001379631.1); c.3022del, p.Glu1008fs (NM_001379632.1); c.3046del, p.Glu1016fs (NM_001379633.1, NM_001379642.1, NM_001379645.1); c.2845del, p.Glu949fs (NM_001379648.1, NM_001379637.1); c.2770del, p.Glu924fs (NM_001379649.1, NM_001379650.1, NM_001379651.1 and 6 more transcripts); short protein forms E1008fs, E1016fs, E1025fs, E1050fs, E924fs, E933fs, E949fs, E958fs.
Identifiers: ClinVar variation 1320162 (VCV001320162.1), dbSNP rs2125794023, ClinGen allele CA2573051903.